The following is an entry in ClinVar:

NM_001372123.1(IKZF5):c.828T>G (p.Asp276Glu)

Gene: IKZF5 (IKAROS family zinc finger 5; minus strand). Cytogenetic location: 10q26.13.
Variant type: single nucleotide variant.
Coding change: c.828T>G on transcript NM_001372123.1 (MANE Select); coding-DNA position 828, T replaced by G.
Protein change: p.Asp276Glu; replaces aspartic acid 276 with glutamic acid.
Molecular consequence: missense variant.
Genome position (GRCh38, 1-based): chr10:122,994,212, A>C on the plus strand (T>G on the coding strand, the complement: IKZF5 is on the minus strand). VCF-style: chr10-122994212-A-C. GRCh37 (hg19) VCF-style: chr10-124753728-A-C.
Other names: p.Asp276Glu; c.828T>G, p.Asp276Glu (NM_001271840.1, NM_001372125.1, NM_001372126.1 and 2 more transcripts); c.624T>G, p.Asp208Glu (NM_001372124.1, NM_001372129.1, NM_001372130.1 and 1 more transcripts); short protein forms D208E, D276E.
Identifiers: ClinVar variation 3379998 (VCV003379998.1).

ClinVar aggregate classification (germline): Uncertain significance (1 of 4 stars; one submission).

Submission:

Mayo Clinic Laboratories, Mayo Clinic
Classification: Uncertain significance. Last evaluated: 2024-09-24. Review status: criteria provided, single submitter. Criteria: ACMG Guidelines, 2015. Collection method: clinical testing. Allele origin: germline. Observed: 1 variant allele.
Comment: BP4, PM2